The following is an entry in ClinVar:

NM_005257.6(GATA6):c.1506G>T (p.Lys502Asn)

Gene: GATA6 (GATA binding protein 6; plus strand). Cytogenetic location: 18q11.2.
Variant type: single nucleotide variant.
Coding change: c.1506G>T on transcript NM_005257.6 (MANE Select); coding-DNA position 1506, G replaced by T.
Protein change: p.Lys502Asn; replaces lysine 502 with asparagine.
Molecular consequence: missense variant.
Genome position (GRCh38, 1-based): chr18:22,182,834, G>T. VCF-style: chr18-22182834-G-T. GRCh37 (hg19) VCF-style: chr18-19762795-G-T.
Other names: short protein forms K502N.
Identifiers: ClinVar variation 652837 (VCV000652837.8), dbSNP rs1598737982, ClinGen allele CA401802737.

ClinVar aggregate classification (germline): Uncertain significance (1 of 4 stars; one submission).

Conditions:
Atrioventricular septal defect 5 (AVSD5). Identifiers: MedGen C3280939, MONDO:0013769, OMIM 614474.

Submission:

Labcorp Genetics (formerly Invitae), Labcorp
Classification: Uncertain significance for Atrioventricular septal defect 5. Last evaluated: 2018-10-16. Review status: criteria provided, single submitter. Criteria: Invitae Variant Classification Sherloc (09022015). Collection method: clinical testing. Allele origin: germline.
Comment: This sequence change replaces lysine with asparagine at codon 502 of the GATA6 protein (p.Lys502Asn). The lysine residue is highly conserved and there is a moderate physicochemical difference between lysine and asparagine. This variant is not present in population databases (ExAC no frequency). This variant has not been reported in the literature in individuals with GATA6-related disease. Algorithms developed to predict the effect of missense changes on protein structure and function are either unavailable or do not agree on the potential impact of this missense change (SIFT: "Deleterious"; PolyPhen-2: "Probably Damaging"; Align-GVGD: "Class C0"). In summary, the available evidence is currently insufficient to determine the role of this variant in disease. Therefore, it has been classified as a Variant of Uncertain Significance.